The following is an entry in ClinVar:

ClinVar aggregate classification (germline): Uncertain significance. Review status: criteria provided, multiple submitters, no conflicts (2 of 4 stars). 3 submissions from 3 submitters: Uncertain significance (3). Last evaluated 2025-11-13.

Conditions:
Hereditary cancer-predisposing syndrome. Also called: Tumor predisposition; Neoplastic Syndromes, Hereditary; Hereditary Cancer Syndrome; Hereditary neoplastic syndrome. Identifiers: Orphanet 140162, MedGen C0027672, MeSH D009386, MONDO:0015356.
Cardiovascular phenotype. Identifiers: MedGen CN230736.
Neurofibromatosis, type 1 (NF1). Also called: Neurofibromatosis, type I; NEUROFIBROMATOSIS, TYPE I, SOMATIC; Peripheral type neurofibromatosis; VON RECKLINGHAUSEN DISEASE. Identifiers: Orphanet 636, MedGen C0027831, MONDO:0018975, OMIM 162200. Disease mechanism: loss of function.

Allele frequency attached by ClinVar (database versions not stated): gnomAD exomes below 0.00001; gnomAD 0.00001; 1000 Genomes Project 30x 0.00016.
gnomAD v4.1: 2 of 1,539,832 alleles (0.00013%); highest among the groups gnomAD compares: East Asian, 0.0024%; no homozygotes.

Submissions (3):

Ambry Genetics
Classification: Uncertain significance for Cardiovascular phenotype; Hereditary cancer-predisposing syndrome. Last evaluated: 2025-11-13. Review status: criteria provided, single submitter. Criteria: Ambry Variant Classification Scheme 2023. Collection method: clinical testing. Allele origin: germline.
Comment: The p.V13M variant (also known as c.37G>A), located in coding exon 1 of the NF1 gene, results from a G to A substitution at nucleotide position 37. The valine at codon 13 is replaced by methionine, an amino acid with highly similar properties. This amino acid position is highly conserved in available vertebrate species. In addition, this alteration is predicted to be tolerated by in silico analysis. Based on the available evidence, the clinical significance of this variant remains unclear.

St. Jude Molecular Pathology, St. Jude Children's Research Hospital
Classification: Uncertain significance for Neurofibromatosis, type 1. Last evaluated: 2025-06-17. Review status: criteria provided, single submitter. Criteria: St. Jude Assertion Criteria 2020. Collection method: clinical testing. Allele origin: germline.
Comment: The NF1 c.37G>A p.(Val13Met) missense change has a maximum subpopulation frequency of 0.002% in gnomAD v2.1.1. The in silico tool REVEL predicts a benign effect on protein function, but to our knowledge this prediction has not been confirmed by functional studies. To our knowledge, this variant has not been reported in individuals with Neurofibromatosis type 1. In summary, the evidence currently available is insuf ficient to determine the clinical significance of this variant. It has therefore been classified as of uncertain significance.

Labcorp Genetics (formerly Invitae), Labcorp
Classification: Uncertain significance for Neurofibromatosis, type 1. Last evaluated: 2025-01-13. Review status: criteria provided, single submitter. Criteria: Invitae Variant Classification Sherloc (09022015). Collection method: clinical testing. Allele origin: germline.
Comment: This sequence change replaces valine, which is neutral and non-polar, with methionine, which is neutral and non-polar, at codon 13 of the NF1 protein (p.Val13Met). The frequency data for this variant in the population databases is considered unreliable, as metrics indicate poor data quality at this position in the gnomAD database. This variant has not been reported in the literature in individuals affected with NF1-related conditions. ClinVar contains an entry for this variant (Variation ID: 404442). Invitae Evidence Modeling of protein sequence and biophysical properties (such as structural, functional, and spatial information, amino acid conservation, physicochemical variation, residue mobility, and thermodynamic stability) has been performed for this missense variant. However, the output from this modeling did not meet the statistical confidence thresholds required to predict the impact of this variant on NF1 protein function. In summary, the available evidence is currently insufficient to determine the role of this variant in disease. Therefore, it has been classified as a Variant of Uncertain Significance.

NM_001042492.3(NF1):c.37G>A (p.Val13Met)

Genes: MIR4733HG (MIR4733 host gene; minus strand), NF1 (neurofibromin 1; plus strand), LOC111811965 (NF1 (neurofibromin 1) promoter region; plus strand). Cytogenetic location: 17q11.2.
Variant type: single nucleotide variant.
Coding change: c.37G>A on transcript NM_001042492.3 (MANE Select); coding-DNA position 37, G replaced by A.
Protein change: p.Val13Met; replaces valine 13 with methionine.
Molecular consequence: missense variant. On other transcripts: non-coding transcript variant (1).
Genome position (GRCh38, 1-based): chr17:31,095,346, G>A. VCF-style: chr17-31095346-G-A. GRCh37 (hg19) VCF-style: chr17-29422364-G-A.
Other names: c.37G>A, p.Val13Met (NM_000267.4, NM_001128147.3); short protein forms V13M.
Identifiers: ClinVar variation 404442 (VCV000404442.10), dbSNP rs1060500261, ClinGen allele CA16615401.
Genomic context (GRCh38, chr17:31,095,346, plus strand): 5'-CCGCCCCCCGGCCGCGGGGAGGACATGGCCGCGCACAGGCCGGTGGAATGGGTCCAGGCC[G>A]TGGTCAGCCGCTTCGACGAGCAGGTAACCGGCCCGTGGCGGGCGGGAGGTGGGAGCGGAG-3'
Protein context (NP_001035957.1, residues 3-23): AHRPVEWVQA[Val13Met]VSRFDEQLPI